The following is an entry in ClinVar:

NM_005908.4(MANBA):c.520G>T (p.Gly174Cys)

Gene: MANBA (mannosidase beta; minus strand). Cytogenetic location: 4q24.
Variant type: single nucleotide variant.
Coding change: c.520G>T on transcript NM_005908.4 (MANE Select); coding-DNA position 520, G replaced by T.
Protein change: p.Gly174Cys; replaces glycine 174 with cysteine.
Molecular consequence: missense variant.
Genome position (GRCh38, 1-based): chr4:102,722,900, C>A on the plus strand (G>T on the coding strand, the complement: MANBA is on the minus strand). VCF-style: chr4-102722900-C-A. GRCh37 (hg19) VCF-style: chr4-103644057-C-A.
Other names: short protein forms G174C.
Identifiers: ClinVar variation 1501120 (VCV001501120.6), dbSNP rs2110193570, ClinGen allele CA357957899.

ClinVar aggregate classification (germline): Uncertain significance (1 of 4 stars; one submission).

Conditions:
Beta-D-mannosidosis (MANSB). Also called: Beta-Mannosidosis; MANNOSIDOSIS, BETA A, LYSOSOMAL; BETA-MANNOSIDASE DEFICIENCY; LYSOSOMAL BETA-MANNOSIDASE DEFICIENCY. Identifiers: Orphanet 118, MedGen C4048196, MONDO:0009562, OMIM 248510.

Submission:

Labcorp Genetics (formerly Invitae), Labcorp
Classification: Uncertain significance for Beta-D-mannosidosis. Last evaluated: 2021-11-02. Review status: criteria provided, single submitter. Criteria: Invitae Variant Classification Sherloc (09022015). Collection method: clinical testing. Allele origin: germline.
Comment: In summary, the available evidence is currently insufficient to determine the role of this variant in disease. Therefore, it has been classified as a Variant of Uncertain Significance. Algorithms developed to predict the effect of missense changes on protein structure and function (SIFT, PolyPhen-2, Align-GVGD) all suggest that this variant is likely to be disruptive. This variant has not been reported in the literature in individuals affected with MANBA-related conditions. This variant is not present in population databases (gnomAD no frequency). This sequence change replaces glycine, which is neutral and non-polar, with cysteine, which is neutral and slightly polar, at codon 174 of the MANBA protein (p.Gly174Cys).